The following is an entry in ClinVar:

NC_000006.12:g.(?_52479017)_(52492432_?)del

Gene: EFHC1 (EF-hand domain containing 1; plus strand). Cytogenetic location: 6p12.2.
Variant type: Deletion.
Identifiers: ClinVar variation 833385 (VCV000833385.7).

ClinVar aggregate classification (germline): Uncertain significance. Review status: criteria provided, single submitter (1 of 4 stars). 2 submissions from 1 submitter: Uncertain significance (2). Last evaluated 2019-10-29.

Conditions:
Juvenile myoclonic epilepsy (EJM). Also called: PETIT MAL, IMPULSIVE; JANZ SYNDROME. Identifiers: Orphanet 307, MedGen C0270853, MONDO:0009696.
Typical absence seizure. Identifiers: MedGen C5551411, HP:0011147.
Absence seizure. Also called: Absence epilepsy. Identifiers: Orphanet 1941, MedGen C0014553.
Myoclonic epilepsy, juvenile, susceptibility to, 1. Also called: Myoclonic Epilepsy, Juvenile, 1; EJM1. Identifiers: MedGen C1850778, MONDO:0020752, OMIM 254770.

Submissions (2):

Labcorp Genetics (formerly Invitae), Labcorp
Classification: Uncertain significance for EJM1; Typical absence seizures. Last evaluated: 2019-10-29. Review status: criteria provided, single submitter. Criteria: Invitae Variant Classification Sherloc (09022015). Collection method: clinical testing. Allele origin: germline.
Comment: This variant is a gross deletion of the genomic region encompassing exons 8-11 of the EFHC1 gene. The 5' boundary is likely confined to intron 8. The 3' end of this event is unknown as it extends through the termination codon beyond the assayed region for this gene and may encompass additional genes. While this deletion is not anticipated to result in nonsense mediated decay, it is expected to create a truncated protein product or disrupt mRNA translation. This variant has not been reported in the literature in individuals with EFHC1-related conditions. Experimental studies and prediction algorithms are not available or were not evaluated, and the functional significance of this variant is currently unknown. In summary, the available evidence is currently insufficient to determine the role of this variant in disease. Therefore, it has been classified as a Variant of Uncertain Significance.

Labcorp Genetics (formerly Invitae), Labcorp
Classification: Uncertain significance for Myoclonic epilepsy, juvenile, susceptibility to, 1; Absence seizure. Last evaluated: 2019-10-23. Review status: criteria provided, single submitter. Criteria: Invitae Variant Classification Sherloc (09022015). Collection method: clinical testing. Allele origin: germline.
Comment: In summary, the available evidence is currently insufficient to determine the role of this variant in disease. Therefore, it has been classified as a Variant of Uncertain Significance. Experimental studies and prediction algorithms are not available or were not evaluated, and the functional significance of this variant is currently unknown. This variant has not been reported in the literature in individuals with EFHC1-related conditions. This variant is a gross deletion of the genomic region encompassing exons 8-11 of the EFHC1 gene. The 5' boundary is likely confined to intron 8. The 3' end of this event is unknown as it extends through the termination codon beyond the assayed region for this gene and may encompass additional genes. While this deletion is not anticipated to result in nonsense mediated decay, it is expected to create a truncated protein product or disrupt mRNA translation.